The following is an entry in ClinVar:

NM_015335.5(MED13L):c.3714T>G (p.Ala1238=)

Gene: MED13L (mediator complex subunit 13L; minus strand). Cytogenetic location: 12q24.21.
Variant type: single nucleotide variant.
Coding change: c.3714T>G on transcript NM_015335.5 (MANE Select); coding-DNA position 3714, T replaced by G.
Protein change: p.Ala1238=; no amino-acid change (alanine 1238 retained).
Molecular consequence: synonymous variant.
Genome position (GRCh38, 1-based): chr12:115,991,240, A>C on the plus strand (T>G on the coding strand, the complement: MED13L is on the minus strand). VCF-style: chr12-115991240-A-C. GRCh37 (hg19) VCF-style: chr12-116429045-A-C.
Identifiers: ClinVar variation 699166 (VCV000699166.5), dbSNP rs749014322, ClinGen allele CA6810947.

ClinVar aggregate classification (germline): Likely benign. Review status: criteria provided, single submitter (1 of 4 stars). 2 submissions from 2 submitters: Likely benign (1). 1 of the submissions does not count toward it. Last evaluated 2017-11-27.

Conditions:
MED13L-related disorder. Also called: MED13L-related condition.

Allele frequency attached by ClinVar (database versions not stated): TOPMed below 0.00001; ExAC 0.00001; gnomAD 0.00001; gnomAD exomes 0.00001.
gnomAD v4.1: 5 of 1,614,110 alleles (0.00031%); highest among the groups gnomAD compares: African/African-American, 0.0013%; no homozygotes.

Submissions (2):

Labcorp Genetics (formerly Invitae), Labcorp
Classification: Likely benign. Last evaluated: 2017-11-27. Review status: criteria provided, single submitter. Criteria: Invitae Variant Classification Sherloc (09022015). Collection method: clinical testing. Allele origin: germline.

PreventionGenetics, part of Exact Sciences
Classification: Likely benign for MED13L-related condition. Last evaluated: 2021-11-04. Review status: no assertion criteria provided. Collection method: clinical testing. Allele origin: germline. Not counted in ClinVar's aggregate classification.
Comment: This variant is classified as likely benign based on ACMG/AMP sequence variant interpretation guidelines (Richards et al. 2015 PMID: 25741868, with internal and published modifications).